The following is an entry in ClinVar:

ClinVar aggregate classification (germline): Benign/Likely benign. Review status: criteria provided, multiple submitters, no conflicts (2 of 4 stars). 4 submissions from 4 submitters: Benign (2); Likely benign (2). Last evaluated 2025-11-03.

Conditions:
Hypertrophic cardiomyopathy. Also called: HYPERTROPHIC MYOCARDIOPATHY. Identifiers: Orphanet 217569, MedGen C0007194, MeSH D002312, MONDO:0005045, HP:0001639.

Allele frequency attached by ClinVar (database versions not stated): ESP Exome Variant Server 0.00008; ExAC 0.00009; gnomAD exomes 0.00018; TOPMed 0.00043; gnomAD 0.00051 and 0.00052; 1000 Genomes Project 0.00060; 1000 Genomes Project 30x 0.00078.
gnomAD v4.1: 166 of 1,611,924 alleles (0.01%); highest among the groups gnomAD compares: Admixed American, 0.19%; 1 homozygote.

Submissions (4):

Labcorp Genetics (formerly Invitae), Labcorp
Classification: Benign for Hypertrophic cardiomyopathy. Last evaluated: 2025-11-03. Review status: criteria provided, single submitter. Criteria: Invitae Variant Classification Sherloc (09022015). Collection method: clinical testing. Allele origin: germline.

Women's Health and Genetics/Laboratory Corporation of America, LabCorp
Classification: Benign. Last evaluated: 2025-04-07. Review status: criteria provided, single submitter. Criteria: LabCorp Variant Classification Summary - May 2015. Collection method: clinical testing. Allele origin: germline.

Blueprint Genetics
Classification: Likely benign. Last evaluated: 2024-07-16. Review status: criteria provided, single submitter. Criteria: ACMG Guidelines, 2015. Collection method: clinical testing. Allele origin: germline.

GeneDx
Classification: Likely benign. Last evaluated: 2018-02-08. Review status: criteria provided, single submitter. Criteria: GeneDx Variant Classification (06012015). Collection method: clinical testing. Allele origin: germline. Affected: yes.
Comment: This variant is considered likely benign or benign based on one or more of the following criteria: it is a conservative change, it occurs at a poorly conserved position in the protein, it is predicted to be benign by multiple in silico algorithms, and/or has population frequency not consistent with disease.

NM_020433.5(JPH2):c.2010+11C>T

Gene: JPH2 (junctophilin 2; minus strand). Cytogenetic location: 20q13.12.
Variant type: single nucleotide variant.
Coding change: c.2010+11C>T on transcript NM_020433.5 (MANE Select); 11 bases into the intron after coding-DNA position 2010, C replaced by T.
Molecular consequence: intron variant.
Genome position (GRCh38, 1-based): chr20:44,115,654, G>A on the plus strand (C>T on the coding strand, the complement: JPH2 is on the minus strand). VCF-style: chr20-44115654-G-A. GRCh37 (hg19) VCF-style: chr20-42744294-G-A.
Identifiers: ClinVar variation 508764 (VCV000508764.12), dbSNP rs201615229, ClinGen allele CA9868548.